The following is an entry in ClinVar:

ClinVar aggregate classification (germline): Likely benign (1 of 4 stars; one submission).

Submission:

CeGaT Center for Human Genetics Tuebingen
Classification: Likely benign. Last evaluated: 2022-09-01. Review status: criteria provided, single submitter. Criteria: CeGaT Center For Human Genetics Tuebingen Variant Classification Criteria Version 2. Collection method: clinical testing. Allele origin: germline. Affected: yes. Observed: 1 variant allele.
Comment: PI4KA: PM2:Supporting, BP4, BP7

NM_058004.4(PI4KA):c.4851A>G (p.Pro1617=)

Gene: PI4KA (phosphatidylinositol 4-kinase alpha; minus strand). Cytogenetic location: 22q11.21.
Variant type: single nucleotide variant.
Coding change: c.4851A>G on transcript NM_058004.4 (MANE Select); coding-DNA position 4851, A replaced by G.
Protein change: p.Pro1617=; no amino-acid change (proline 1617 retained).
Molecular consequence: synonymous variant.
Genome position (GRCh38, 1-based): chr22:20,727,320, T>C on the plus strand (A>G on the coding strand, the complement: PI4KA is on the minus strand). VCF-style: chr22-20727320-T-C. GRCh37 (hg19) VCF-style: chr22-21081608-T-C.
Other names: c.4758A>G, p.Pro1586= (NM_001362862.2); c.4785A>G, p.Pro1595= (NM_001362863.2).
Identifiers: ClinVar variation 2652910 (VCV002652910.24), dbSNP rs1342982887, ClinGen allele CA513464233.
Genomic context (GRCh38, chr22:20,727,320, plus strand): 5'-GTACTGCGCCGTGAGAGGGTGCGGCGGGTACATGCTGGAGAAGTAGGAGAGGCCTGTGGG[T>C]GGGTCCGTGGGCGCCCAGCACAGCACATGGCTGAGCTCTGGAGCATCGGCGTCGATGGTG-3'
Protein context (NP_477352.3, residues 1607-1627): SHVLCWAPTD[Pro1617=]PTGLSYFSSM